The following is an entry in ClinVar:

NM_007194.4(CHEK2):c.1325_1336del (p.Ser442_Tyr445del)

Gene: CHEK2 (checkpoint kinase 2; minus strand). Cytogenetic location: 22q12.1.
Variant type: Deletion.
Coding change: c.1325_1336del on transcript NM_007194.4 (MANE Select); coding-DNA positions 1325 to 1336, 12 bases deleted (GTGGAAAATACA).
Protein change: p.Ser442_Tyr445del.
Molecular consequence: inframe deletion. On other transcripts: inframe indel (4).
Genome position (GRCh38, 1-based): chr22:28,695,166-28,695,177, TGTATTTTCCAC deleted on the plus strand (GTGGAAAATACA on the coding strand, the reverse complement: CHEK2 is on the minus strand); deleting any 12 consecutive bases within chr22:28,695,166-28,695,179 gives the same sequence; the c. name uses the placement nearest the transcript's 3' end. VCF-style (leftmost placement, unchanged base first): chr22-28695165-TTGTATTTTCCAC-T. GRCh37 (hg19) VCF-style: chr22-29091153-TTGTATTTTCCAC-T.
Other names: c.1452_1463delCAGTGGAAAATA, p.Ser485_Tyr488del (NM_001005735.3); c.660_671delCAGTGGAAAATA, p.Ser221_Tyr224del (NM_001257387.3); c.1122_1133delCAGTGGAAAATA, p.Ser375_Tyr378del (NM_001349956.3); c.1236_1247delCAGTGGAAAATA, p.Ser413_Tyr416del (NM_145862.3).
Identifiers: ClinVar variation 654565 (VCV000654565.9), dbSNP rs1601719464, ClinGen allele CA915952845.

ClinVar aggregate classification (germline): Uncertain significance (1 of 4 stars; one submission).

Conditions:
Familial cancer of breast. Also called: Hereditary breast cancer; hereditary breast carcinoma; BREAST CANCER, FAMILIAL. Identifiers: Orphanet 227535, MedGen C0346153, MONDO:0016419, OMIM 114480. Disease mechanism: loss of function.

Submission:

Labcorp Genetics (formerly Invitae), Labcorp
Classification: Uncertain significance for Familial cancer of breast. Last evaluated: 2025-05-22. Review status: criteria provided, single submitter. Criteria: Invitae Variant Classification Sherloc (09022015). Collection method: clinical testing. Allele origin: germline.
Comment: This variant, c.1325_1336del, results in the deletion of 4 amino acid(s) of the CHEK2 protein (p.Ser442_Tyr445del), but otherwise preserves the integrity of the reading frame. This variant is not present in population databases (gnomAD no frequency). This variant has not been reported in the literature in individuals affected with CHEK2-related conditions. ClinVar contains an entry for this variant (Variation ID: 654565). Experimental studies and prediction algorithms are not available or were not evaluated, and the functional significance of this variant is currently unknown. In summary, the available evidence is currently insufficient to determine the role of this variant in disease. Therefore, it has been classified as a Variant of Uncertain Significance.